The following is an entry in ClinVar:

NM_001276270.2(MBD4):c.612_615del (p.Ser205fs)

Gene: MBD4 (methyl-CpG binding domain 4, DNA glycosylase; minus strand). Cytogenetic location: 3q21.3.
Variant type: Microsatellite.
Coding change: c.612_615del on transcript NM_001276270.2 (MANE Select); coding-DNA positions 612 to 615, 4 bases deleted (CTCT; older notation c.612_615delCTCT).
Protein change: p.Ser205fs; shifts the reading frame from serine 205.
Molecular consequence: frameshift variant. On other transcripts: intron variant (1).
Genome position (GRCh38, 1-based): chr3:129,437,029-129,437,032, AGAG deleted on the plus strand (CTCT on the coding strand, the reverse complement: MBD4 is on the minus strand); deleting any 4 consecutive bases within chr3:129,437,029-129,437,034 gives the same sequence; the c. name uses the placement nearest the transcript's 3' end. VCF-style (leftmost placement, unchanged base first): chr3-129437028-TAGAG-T. GRCh37 (hg19) VCF-style: chr3-129155871-TAGAG-T.
Other names: c.612_615del, p.Ser205fs (NM_001276271.2, NM_001276272.2, NM_003925.3); c.247+776_247+779del (NM_001276273.2); c.612_615delCTCT (NM_001276270.2); short protein forms S205fs.
Identifiers: ClinVar variation 1700255 (VCV001700255.6), dbSNP rs1559801181, ClinGen allele CA546417552.

ClinVar aggregate classification (germline): Pathogenic/Likely pathogenic. Review status: criteria provided, multiple submitters, no conflicts (2 of 4 stars). 4 submissions from 4 submitters: Pathogenic (2); Likely pathogenic (1). 1 of the submissions does not count toward it. Last evaluated 2025-10-11.

Conditions:
Inborn genetic diseases. Identifiers: MedGen C0950123, MeSH D030342.
Tumor predisposition syndrome 2 (TPDS2). Also called: MBD4-ASSOCIATED NEOPLASIA SYNDROME; MBD4-Related Tumor Predisposition Syndrome; MBD4-associated neoplasia syndrome (MANS). Identifiers: Orphanet 661526, MedGen C5774186, MONDO:0859267, OMIM 619975.

Submissions (4):

Labcorp Genetics (formerly Invitae), Labcorp
Classification: Pathogenic. Last evaluated: 2025-10-11. Review status: criteria provided, single submitter. Criteria: Invitae Variant Classification Sherloc (09022015). Collection method: clinical testing. Allele origin: germline.
Comment: This sequence change creates a premature translational stop signal (p.Ser205Thrfs*9) in the MBD4 gene. It is expected to result in an absent or disrupted protein product. Loss-of-function variants in MBD4 are known to be pathogenic (PMID: 30049810, 35460607). This variant is present in population databases (no rsID available, gnomAD 0.003%). This premature translational stop signal has been observed in individual(s) with colorectal adenomas and acute myeloid leukemia (PMID: 35460607). For these reasons, this variant has been classified as Pathogenic.

Ambry Genetics
Classification: Pathogenic for Inborn genetic diseases. Last evaluated: 2025-06-09. Review status: criteria provided, single submitter. Criteria: Ambry Variant Classification Scheme 2023. Collection method: clinical testing. Allele origin: germline.
Comment: The c.612_615delCTCT pathogenic mutation, located in coding exon 3 of the MBD4 gene, results from a deletion of 4 nucleotides at nucleotide positions 612 to 615, causing a translational frameshift with a predicted alternate stop codon (p.S205Tfs*9). This variant has been identified in the homozygous state in an individual with features consistent with MBD4-associated neoplasia syndrome (Palles C et al. Am J Hum Genet, 2022 May;109:953-960). This variant is considered to be rare based on population cohorts in the Genome Aggregation Database (gnomAD). In addition to the clinical data presented in the literature, this alteration is expected to result in loss of function by premature protein truncation or nonsense-mediated mRNA decay. As such, this alteration is interpreted as a disease-causing mutation.

Institute for Genomic Medicine (IGM) Clinical Laboratory, Nationwide Children's Hospital
Classification: Likely pathogenic for Tumor predisposition syndrome 2. Last evaluated: 2024-07-03. Review status: criteria provided, single submitter. Criteria: ACMG Guidelines, 2015. Collection method: clinical testing. Allele origin: germline.
Comment: This variant is predicted to result in loss of function through nonsense-mediated decay of the encoded transcript or premature truncation of the encoded protein in a gene in which loss of function is a known mechanism of disease (ACMG/AMP: PVS1; PMIDs:29760383, 32239153). This variant is absent from or present at an exceedingly low frequency in gnomAD, a large-scale control population database (ACMG/AMP: PM2).

OMIM
Classification: Pathogenic for TUMOR PREDISPOSITION SYNDROME 2. Last evaluated: 2022-08-08. Review status: no assertion criteria provided. Collection method: literature only. Allele origin: unknown. Not counted in ClinVar's aggregate classification.

Literature cited by the submitters: PubMed 30049810 (cited by Labcorp Genetics (formerly Invitae), Labcorp); PubMed 35460607 (cited by 3 submitters); PubMed 29760383 (cited by Institute for Genomic Medicine (IGM) Clinical Laboratory, Nationwide Children's Hospital); PubMed 32239153 (cited by Institute for Genomic Medicine (IGM) Clinical Laboratory, Nationwide Children's Hospital).